The following is an entry in ClinVar:

ClinVar aggregate classification (germline): Uncertain significance (1 of 4 stars; one submission).

Conditions:
Very long chain acyl-CoA dehydrogenase deficiency (ACADVLD). Also called: VLCAD Deficiency; Very Long-Chain Acyl-Coenzyme A Dehydrogenase Deficiency. Identifiers: Orphanet 26793, MedGen C3887523, MONDO:0008723, OMIM 201475.

Submission:

Myriad Genetics, Inc.
Classification: Uncertain significance for Very long chain acyl-CoA dehydrogenase deficiency. Last evaluated: 2025-12-08. Review status: criteria provided, single submitter. Criteria: Myriad Autosomal Dominant, Autosomal Recessive and X-Linked Classification Criteria (2023). Collection method: clinical testing. Allele origin: unknown.
Comment: NM_000018.3(ACADVL):c.752+6dupC is an intronic variant classified as a variant of uncertain significance in the context of very-long-chain acyl-CoA dehydrogenase deficiency. c.752+6dupC has not been observed in cases with relevant disease. Relevant functional assessments of this variant are not available in the literature. c.752+6dupC has not been observed in referenced population frequency databases. In summary, there is insufficient evidence to classify NM_000018.3(ACADVL):c.752+6dupC as pathogenic or benign. Please note: this variant was assessed in the context of healthy population screening.

NM_000018.4(ACADVL):c.752+6dup

Gene: ACADVL (acyl-CoA dehydrogenase very long chain; plus strand). Cytogenetic location: 17p13.1.
Variant type: Duplication.
Coding change: c.752+6dup on transcript NM_000018.4 (MANE Select); 6 bases into the intron after coding-DNA position 752, one base duplicated (C; older notation c.752+6dupC).
Molecular consequence: intron variant.
Genome position (GRCh38, 1-based): chr17:7,222,087, C duplicated; the last of 2 consecutive C bases (chr17:7,222,086-7,222,087); duplicating either gives the same sequence. VCF-style (leftmost placement, unchanged base first): chr17-7222085-A-AC. GRCh37 (hg19) VCF-style: chr17-7125404-A-AC.
Other names: c.821+6dup (NM_001270447.2); c.524+6dup (NM_001270448.2); c.686+6dup (NM_001033859.3).
Identifiers: ClinVar variation 5003895 (VCV005003895.1).
Genomic context (GRCh38, chr17:7,222,085, plus strand): 5'-TGTGCCCAGCCCCTGTGGAAAATACTATACCCTCAATGGAAGCAAGCTTTGGATCAGGCA[A>AC]CCTGCCTCCCATTTCTCCCCTTCTCCTCCGCCCAATTCCAGGCCCCACTGCTCCCCGTCC-3'